The following is an entry in ClinVar:

ClinVar aggregate classification (germline): Likely benign. Review status: criteria provided, single submitter (1 of 4 stars). 2 submissions from 2 submitters: Likely benign (1). 1 of the submissions does not count toward it. Last evaluated 2025-11-25.

Conditions:
COL4A1-related disorder. Also called: COL4A1-related disorders; COL4A1-related condition. Identifiers: MedGen CN376119, MONDO:0800461.

gnomAD v4.1: 18 of 1,605,228 alleles (0.0011%); highest among the groups gnomAD compares: Non-Finnish European, 0.0014%; no homozygotes.

Submissions (2):

Labcorp Genetics (formerly Invitae), Labcorp
Classification: Likely benign. Last evaluated: 2025-11-25. Review status: criteria provided, single submitter. Criteria: Invitae Variant Classification Sherloc (09022015). Collection method: clinical testing. Allele origin: germline.

PreventionGenetics, part of Exact Sciences
Classification: Likely benign for COL4A1-related condition. Last evaluated: 2020-08-04. Review status: no assertion criteria provided. Collection method: clinical testing. Allele origin: germline. Not counted in ClinVar's aggregate classification.
Comment: This variant is classified as likely benign based on ACMG/AMP sequence variant interpretation guidelines (Richards et al. 2015 PMID: 25741868, with internal and published modifications).

NM_001845.6(COL4A1):c.4041C>A (p.Gly1347=)

Gene: COL4A1 (collagen type IV alpha 1 chain; minus strand). Cytogenetic location: 13q34.
Variant type: single nucleotide variant.
Coding change: c.4041C>A on transcript NM_001845.6 (MANE Select); coding-DNA position 4041, C replaced by A.
Protein change: p.Gly1347=; no amino-acid change (glycine 1347 retained).
Molecular consequence: synonymous variant.
Genome position (GRCh38, 1-based): chr13:110,164,971, G>T on the plus strand (C>A on the coding strand, the complement: COL4A1 is on the minus strand). VCF-style: chr13-110164971-G-T. GRCh37 (hg19) VCF-style: chr13-110817318-G-T.
Identifiers: ClinVar variation 3036938 (VCV003036938.4), dbSNP rs754285681, ClinGen allele CA484788563.